The following is an entry in ClinVar:

ClinVar aggregate classification (germline): Uncertain significance. Review status: criteria provided, multiple submitters, no conflicts (2 of 4 stars). 2 submissions from 2 submitters: Uncertain significance (2). Last evaluated 2026-03-26.

Conditions:
Inborn genetic diseases. Identifiers: MedGen C0950123, MeSH D030342.

Submissions (2):

Ambry Genetics
Classification: Uncertain significance for Inborn genetic diseases. Last evaluated: 2026-03-26. Review status: criteria provided, single submitter. Criteria: Ambry Variant Classification Scheme 2023. Collection method: clinical testing. Allele origin: germline.

Labcorp Genetics (formerly Invitae), Labcorp
Classification: Uncertain significance. Last evaluated: 2024-04-25. Review status: criteria provided, single submitter. Criteria: Invitae Variant Classification Sherloc (09022015). Collection method: clinical testing. Allele origin: germline.
Comment: This sequence change replaces alanine, which is neutral and non-polar, with glycine, which is neutral and non-polar, at codon 338 of the NR2F1 protein (p.Ala338Gly). This variant is not present in population databases (gnomAD no frequency). This variant has not been reported in the literature in individuals affected with NR2F1-related conditions. Advanced modeling of protein sequence and biophysical properties (such as structural, functional, and spatial information, amino acid conservation, physicochemical variation, residue mobility, and thermodynamic stability) performed at Invitae indicates that this missense variant is not expected to disrupt NR2F1 protein function with a negative predictive value of 80%. In summary, the available evidence is currently insufficient to determine the role of this variant in disease. Therefore, it has been classified as a Variant of Uncertain Significance.

NM_005654.6(NR2F1):c.1013C>G (p.Ala338Gly)

Gene: NR2F1 (nuclear receptor subfamily 2 group F member 1; plus strand). Cytogenetic location: 5q15.
Variant type: single nucleotide variant.
Coding change: c.1013C>G on transcript NM_005654.6 (MANE Select); coding-DNA position 1013, C replaced by G.
Protein change: p.Ala338Gly; replaces alanine 338 with glycine.
Molecular consequence: missense variant.
Genome position (GRCh38, 1-based): chr5:93,593,583, C>G. VCF-style: chr5-93593583-C-G. GRCh37 (hg19) VCF-style: chr5-92929289-C-G.
Other names: c.1013C>G (NM_005654.4); c.563C>G, p.Ala188Gly (NM_001410754.1); short protein forms A338G, A188G.
Identifiers: ClinVar variation 3704337 (VCV003704337.3).